The following is an entry in ClinVar:

NM_001354604.2(MITF):c.929G>A (p.Arg310Lys)

Gene: MITF (melanocyte inducing transcription factor; plus strand). Cytogenetic location: 3p13.
Variant type: single nucleotide variant.
Coding change: c.929G>A on transcript NM_001354604.2 (MANE Select); coding-DNA position 929, G replaced by A.
Protein change: p.Arg310Lys; replaces arginine 310 with lysine.
Molecular consequence: missense variant.
Genome position (GRCh38, 1-based): chr3:69,951,860, G>A. VCF-style: chr3-69951860-G-A. GRCh37 (hg19) VCF-style: chr3-70001011-G-A.
Other names: c.608G>A, p.Arg203Lys (NM_000248.4); c.755G>A, p.Arg252Lys (NM_001184967.2, NM_001354608.2); c.926G>A, p.Arg309Lys (NM_001354605.2); c.908G>A, p.Arg303Lys (NM_001354606.2, NM_006722.3); c.860G>A, p.Arg287Lys (NM_001354607.2); c.590G>A, p.Arg197Lys (NM_198158.3); c.911G>A, p.Arg304Lys (NM_198159.3); c.863G>A, p.Arg288Lys (NM_198177.3); and 1 more; short protein forms R252K, R303K, R203K, R288K, R197K, R304K, R310K, R141K.
Identifiers: ClinVar variation 2925352 (VCV002925352.3), dbSNP rs2471630279, ClinGen allele CA353561610.

ClinVar aggregate classification (germline): Uncertain significance (1 of 4 stars; one submission).

Conditions:
Tietz syndrome (TADS). Also called: ALBINISM-DEAFNESS OF TIETZ; HYPOPIGMENTATION/DEAFNESS OF TIETZ; TIETZ ALBINISM-DEAFNESS SYNDROME. Identifiers: Orphanet 42665, MedGen C0391816, MONDO:0007077, OMIM 103500.
Waardenburg syndrome type 2A (WS2A). Also called: WAARDENBURG SYNDROME WITHOUT DYSTOPIA CANTHORUM. Identifiers: Orphanet 3440, MedGen C1860339, MONDO:0008671, OMIM 193510.
Melanoma, cutaneous malignant, susceptibility to, 8. Also called: MELANOMA AND RENAL CELL CARCINOMA, SUSCEPTIBILITY TO; Cutaneous malignant melanoma 8. Identifiers: Orphanet 293822, MedGen C3152204, MONDO:0013759, OMIM 614456.

Submission:

Labcorp Genetics (formerly Invitae), Labcorp
Classification: Uncertain significance for Melanoma, cutaneous malignant, susceptibility to, 8; Waardenburg syndrome type 2A; Tietz syndrome. Last evaluated: 2023-10-22. Review status: criteria provided, single submitter. Criteria: Invitae Variant Classification Sherloc (09022015). Collection method: clinical testing. Allele origin: germline.
Comment: This sequence change replaces arginine, which is basic and polar, with lysine, which is basic and polar, at codon 203 of the MITF protein (p.Arg203Lys). This variant is not present in population databases (gnomAD no frequency). This missense change has been observed in individual(s) with clinical features of Waardenburg syndrome (PMID: 8589691, 9279758). Advanced modeling of protein sequence and biophysical properties (such as structural, functional, and spatial information, amino acid conservation, physicochemical variation, residue mobility, and thermodynamic stability) performed at Invitae indicates that this missense variant is expected to disrupt MITF protein function with a positive predictive value of 80%. Experimental studies are conflicting or provide insufficient evidence to determine the effect of this variant on MITF function (PMID: 23787126). In summary, the available evidence is currently insufficient to determine the role of this variant in disease. Therefore, it has been classified as a Variant of Uncertain Significance.

Literature cited by the submitters: PubMed 8589691; PubMed 9279758; PubMed 23787126.